The following is an entry in ClinVar:

ClinVar aggregate classification (germline): Uncertain significance. Review status: criteria provided, multiple submitters, no conflicts (2 of 4 stars). 2 submissions from 2 submitters: Uncertain significance (2). Last evaluated 2023-05-22.

Conditions:
Familial sleep-related hypermotor epilepsy. Also called: Autosomal Dominant Sleep-Related Hypermotor (Hyperkinetic) Epilepsy. Identifiers: Orphanet 98784, MedGen C3696898, MONDO:0000030.
Inborn genetic diseases. Identifiers: MedGen C0950123, MeSH D030342.

Allele frequency attached by ClinVar (database versions not stated): TOPMed 0.00001; gnomAD 0.00001; ExAC 0.00002; gnomAD exomes 0.00001.
gnomAD v4.1: 12 of 1,613,522 alleles (0.00074%); highest among the groups gnomAD compares: Non-Finnish European, 0.001%; no homozygotes.

Submissions (2):

Labcorp Genetics (formerly Invitae), Labcorp
Classification: Uncertain significance. Last evaluated: 2023-05-22. Review status: criteria provided, single submitter. Criteria: Invitae Variant Classification Sherloc (09022015). Collection method: clinical testing. Allele origin: germline.
Comment: This variant has not been reported in the literature in individuals affected with CHRNA4-related conditions. This variant is present in population databases (rs200985465, gnomAD 0.002%). This sequence change replaces isoleucine, which is neutral and non-polar, with valine, which is neutral and non-polar, at codon 323 of the CHRNA4 protein (p.Ile323Val). In summary, the available evidence is currently insufficient to determine the role of this variant in disease. Therefore, it has been classified as a Variant of Uncertain Significance. Advanced modeling of protein sequence and biophysical properties (such as structural, functional, and spatial information, amino acid conservation, physicochemical variation, residue mobility, and thermodynamic stability) performed at Invitae indicates that this missense variant is not expected to disrupt CHRNA4 protein function. ClinVar contains an entry for this variant (Variation ID: 659724).

Ambry Genetics
Classification: Uncertain significance for Inborn genetic diseases. Last evaluated: 2021-10-26. Review status: criteria provided, single submitter. Criteria: Ambry Variant Classification Scheme 2023. Collection method: clinical testing. Allele origin: germline.

NM_000744.7(CHRNA4):c.967A>G (p.Ile323Val)

Gene: CHRNA4 (cholinergic receptor nicotinic alpha 4 subunit; minus strand). Cytogenetic location: 20q13.33.
Variant type: single nucleotide variant.
Coding change: c.967A>G on transcript NM_000744.7 (MANE Select); coding-DNA position 967, A replaced by G.
Protein change: p.Ile323Val; replaces isoleucine 323 with valine.
Molecular consequence: missense variant. On other transcripts: non-coding transcript variant (1).
Genome position (GRCh38, 1-based): chr20:63,350,444, T>C on the plus strand (A>G on the coding strand, the complement: CHRNA4 is on the minus strand). VCF-style: chr20-63350444-T-C. GRCh37 (hg19) VCF-style: chr20-61981796-T-C.
Other names: c.439A>G, p.Ile147Val (NM_001256573.2); c.967A>G (NM_000744.5); short protein forms I323V, I147V.
Identifiers: ClinVar variation 659724 (VCV000659724.7), dbSNP rs200985465, ClinGen allele CA9957691.